The following is an entry in ClinVar:

ClinVar aggregate classification (germline): Likely benign (0 of 4 stars; one submission).

Conditions:
ADCY3-related disorder. Also called: ADCY3-related condition.

gnomAD v4.1: 9 of 1,613,840 alleles (0.00056%); highest among the groups gnomAD compares: Admixed American, 0.0017%; no homozygotes.

Submission:

PreventionGenetics, part of Exact Sciences
Classification: Likely benign for ADCY3-related condition. Last evaluated: 2022-08-16. Review status: no assertion criteria provided. Collection method: clinical testing. Allele origin: germline.
Comment: This variant is classified as likely benign based on ACMG/AMP sequence variant interpretation guidelines (Richards et al. 2015 PMID: 25741868, with internal and published modifications).

NM_004036.5(ADCY3):c.1299C>T (p.Asp433=)

Gene: ADCY3 (adenylate cyclase 3; minus strand). Cytogenetic location: 2p23.3.
Variant type: single nucleotide variant.
Coding change: c.1299C>T on transcript NM_004036.5 (MANE Select); coding-DNA position 1299, C replaced by T.
Protein change: p.Asp433=; no amino-acid change (aspartic acid 433 retained).
Molecular consequence: synonymous variant.
Genome position (GRCh38, 1-based): chr2:24,839,929, G>A on the plus strand (C>T on the coding strand, the complement: ADCY3 is on the minus strand). VCF-style: chr2-24839929-G-A. GRCh37 (hg19) VCF-style: chr2-25062798-G-A.
Other names: c.1299C>T, p.Asp433= (NM_001320613.2, NM_001377128.1, NM_001377129.1 and 2 more transcripts); c.576C>T, p.Asp192= (NM_001377131.1).
Identifiers: ClinVar variation 3355138 (VCV003355138.1).